The following is an entry in ClinVar:

NM_001371928.1(AHDC1):c.4185G>C (p.Gln1395His)

Gene: AHDC1 (AT-hook DNA binding motif containing 1; minus strand). Cytogenetic location: 1p36.11.
Variant type: single nucleotide variant.
Coding change: c.4185G>C on transcript NM_001371928.1 (MANE Select); coding-DNA position 4185, G replaced by C.
Protein change: p.Gln1395His; replaces glutamine 1395 with histidine.
Molecular consequence: missense variant.
Genome position (GRCh38, 1-based): chr1:27,547,931, C>G on the plus strand (G>C on the coding strand, the complement: AHDC1 is on the minus strand). VCF-style: chr1-27547931-C-G. GRCh37 (hg19) VCF-style: chr1-27874442-C-G.
Other names: c.4185G>C, p.Gln1395His (NM_001029882.3); c.141G>C, p.Gln47His (NM_015699.1); short protein forms Q47H, Q1395H.
Identifiers: ClinVar variation 2751714 (VCV002751714.3), dbSNP rs2521814764, ClinGen allele CA339223387.

ClinVar aggregate classification (germline): Uncertain significance (1 of 4 stars; one submission).

Submission:

Labcorp Genetics (formerly Invitae), Labcorp
Classification: Uncertain significance. Last evaluated: 2023-08-29. Review status: criteria provided, single submitter. Criteria: Invitae Variant Classification Sherloc (09022015). Collection method: clinical testing. Allele origin: germline.
Comment: In summary, the available evidence is currently insufficient to determine the role of this variant in disease. Therefore, it has been classified as a Variant of Uncertain Significance. An algorithm developed to predict the effect of missense changes on protein structure and function (PolyPhen-2) suggests that this variant is likely to be tolerated. This variant has not been reported in the literature in individuals affected with AHDC1-related conditions. This variant is not present in population databases (gnomAD no frequency). This sequence change replaces glutamine, which is neutral and polar, with histidine, which is basic and polar, at codon 1395 of the AHDC1 protein (p.Gln1395His).